The following is an entry in ClinVar:

NM_177438.3(DICER1):c.5127T>A (p.Asp1709Glu)

Gene: DICER1 (dicer 1, ribonuclease III; minus strand). Cytogenetic location: 14q32.13.
Variant type: single nucleotide variant.
Coding change: c.5127T>A on transcript NM_177438.3 (MANE Select); coding-DNA position 5127, T replaced by A.
Protein change: p.Asp1709Glu; replaces aspartic acid 1709 with glutamic acid.
Molecular consequence: missense variant.
Genome position (GRCh38, 1-based): chr14:95,094,125, A>T on the plus strand (T>A on the coding strand, the complement: DICER1 is on the minus strand). VCF-style: chr14-95094125-A-T. GRCh37 (hg19) VCF-style: chr14-95560462-A-T.
Other names: c.5127T>A, p.Asp1709Glu (NM_001195573.1, NM_001271282.3, NM_001291628.2 and 1 more transcripts); short protein forms D1709E.
Identifiers: ClinVar variation 933031 (VCV000933031.5), dbSNP rs1890098663, ClinGen allele CA390865390.

ClinVar aggregate classification (germline): Pathogenic (1 of 4 stars; one submission).
ClinVar aggregate classification (somatic clinical impact): Tier I - Strong. Review status: criteria provided, multiple submitters. 3 submissions from 2 submitters. 1 of the submissions does not count toward it. Last evaluated 2024-02-09.

Conditions:
DICER1-related tumor predisposition. Also called: DICER1-related pleuropulmonary blastoma cancer predisposition syndrome; DICER1 syndrome. Identifiers: Orphanet 284343, MedGen C3839822, MONDO:0100216.
Sertoli-Leydig cell tumor. Identifiers: MedGen C0206723, MONDO:0002479.
Primary intracranial sarcoma, DICER1-mutant. Identifiers: MedGen C5670660, MONDO:0858967.
Pleuropulmonary blastoma (PPB). Identifiers: Orphanet 64742, MedGen C1266144, MONDO:0011014, OMIM 601200, HP:0100528.

Submissions (4):

Molecular Pathology Unit, Bambino Gesu' Children's Hospital, IRCCS
Classification: Tier III - Unknown for Primary intracranial sarcoma, DICER1-mutant. Last evaluated: 2024-07-31. Review status: criteria provided, single submitter. Criteria: AMP/ASCO/CAP Guidelines, 2017. Collection method: clinical testing. Allele origin: somatic. Affected: yes. Not counted in ClinVar's aggregate classification.
Comment: This variant is not present in population databases (gnomAD no frequency) and it is reported in Clinvar as pathogenic. Algorithms developed to predict the effect of missense changes on protein structure and function (SIFT, PolyPhen-2, Mutation Taster) all suggest that this variant is likely to be disruptive.

Institute for Genomic Medicine (IGM) Clinical Laboratory, Nationwide Children's Hospital
Classification: Tier I - Strong for Pleuropulmonary blastoma. Assertion type: diagnostic. Clinical significance: supports diagnosis. Last evaluated: 2024-02-09. Review status: criteria provided, single submitter. Criteria: AMP/ASCO/CAP Guidelines, 2017. Collection method: clinical testing. Allele origin: somatic. Affected: yes.
Comment: Variant has Tier I (strong) clinical significance as a diagnostic inclusion criterion in pleuropulmonary blastoma, based on the following evidence: 1) Documented in one or more cancer databases (e.g., St. Jude Pecan, COSMIC, CIViC, OncoKB). 2) Appears in one or more well-established professional guidelines (e.g., World Health Organization [WHO]; National Comprehensive Cancer Network [NCCN]) as providing diagnostic, prognostic, or therapeutic information. 3) Information in the literature supports potential biologic effect of variant (PMIDs: 22187960, 23132766, 31417090, 26925222). 4) Diagnostic for a specific tumor type/classification according to professional guidelines (Evidence Level A; PMIDs: 23868280, 24675358, 24909177, 28624956, 31603374).

Institute for Genomic Medicine (IGM) Clinical Laboratory, Nationwide Children's Hospital
Classification: Tier I - Strong for Sertoli-Leydig cell tumor. Assertion type: diagnostic. Clinical significance: supports diagnosis. Last evaluated: 2023-06-13. Review status: criteria provided, single submitter. Criteria: AMP/ASCO/CAP Guidelines, 2017. Collection method: clinical testing. Allele origin: somatic. Affected: yes.
Comment: Variant has Tier I (strong) clinical significance as a diagnostic inclusion criterion in Sertoli-Leydig cell tumor, based on the following evidence: 1) Documented in one or more cancer databases (e.g., St. Jude Pecan, COSMIC, CIViC, OncoKB). 2) Appears in one or more well-established professional guidelines (e.g., World Health Organization [WHO]; National Comprehensive Cancer Network [NCCN]) as providing diagnostic, prognostic, or therapeutic information. 3) Information in the literature supports potential biologic effect of variant (PMIDs: 23132766, 31417090, 26925222). 4) Diagnostic for a specific tumor type/classification based on well-powered studies with expert-level consensus (Evidence Level B; PMIDs: 22187960, 24136150, 26033501, 26428316, 28654427).

Foulkes Cancer Genetics LDI, Lady Davis Institute for Medical Research
Classification: Pathogenic for Pleuropulmonary blastoma. Last evaluated: 2019-07-01. Review status: criteria provided, single submitter. Criteria: ACMG Guidelines, 2015. Collection method: curation. Allele origin: somatic. Affected: yes. Observed: 4 variant alleles.
Comment: ACMG criteria met: PS3, PM1, PM2, PM7, PP3, PP4, BP1

Literature cited by the submitters: PubMed 22187960 (cited by Institute for Genomic Medicine (IGM) Clinical Laboratory, Nationwide Children's Hospital and Foulkes Cancer Genetics LDI, Lady Davis Institute for Medical Research); PubMed 23132766 (cited by Institute for Genomic Medicine (IGM) Clinical Laboratory, Nationwide Children's Hospital); PubMed 31417090 (cited by Institute for Genomic Medicine (IGM) Clinical Laboratory, Nationwide Children's Hospital); PubMed 26925222 (cited by Institute for Genomic Medicine (IGM) Clinical Laboratory, Nationwide Children's Hospital); PubMed 23868280 (cited by Institute for Genomic Medicine (IGM) Clinical Laboratory, Nationwide Children's Hospital); PubMed 24675358 (cited by Institute for Genomic Medicine (IGM) Clinical Laboratory, Nationwide Children's Hospital); PubMed 24909177 (cited by Institute for Genomic Medicine (IGM) Clinical Laboratory, Nationwide Children's Hospital); PubMed 28624956 (cited by Institute for Genomic Medicine (IGM) Clinical Laboratory, Nationwide Children's Hospital); PubMed 31603374 (cited by Institute for Genomic Medicine (IGM) Clinical Laboratory, Nationwide Children's Hospital); PubMed 24136150 (cited by Institute for Genomic Medicine (IGM) Clinical Laboratory, Nationwide Children's Hospital); PubMed 26033501 (cited by Institute for Genomic Medicine (IGM) Clinical Laboratory, Nationwide Children's Hospital); PubMed 26428316 (cited by Institute for Genomic Medicine (IGM) Clinical Laboratory, Nationwide Children's Hospital); PubMed 28654427 (cited by Institute for Genomic Medicine (IGM) Clinical Laboratory, Nationwide Children's Hospital); PubMed 26886166 (cited by Foulkes Cancer Genetics LDI, Lady Davis Institute for Medical Research); PubMed 25451712 (cited by Foulkes Cancer Genetics LDI, Lady Davis Institute for Medical Research).